The following is an entry in ClinVar:

NM_003242.6(TGFBR2):c.389G>A (p.Gly130Asp)

Gene: TGFBR2 (transforming growth factor beta receptor 2; plus strand). Cytogenetic location: 3p24.1.
Variant type: single nucleotide variant.
Coding change: c.389G>A on transcript NM_003242.6 (MANE Select); coding-DNA position 389, G replaced by A.
Protein change: p.Gly130Asp; replaces glycine 130 with aspartic acid.
Molecular consequence: missense variant. On other transcripts: intron variant (2).
Genome position (GRCh38, 1-based): chr3:30,650,395, G>A. VCF-style: chr3-30650395-G-A. GRCh37 (hg19) VCF-style: chr3-30691887-G-A.
Other names: c.464G>A, p.Gly155Asp (NM_001024847.3, NM_001407126.1, NM_001407139.1); c.389G>A, p.Gly130Asp (NM_001407127.1, NM_001407130.1); c.416G>A, p.Gly139Asp (NM_001407128.1); c.284G>A, p.Gly95Asp (NM_001407129.1, NM_001407132.1, NM_001407133.1 and 3 more transcripts); c.170-21243G>A (NM_001407137.1); c.95-21243G>A (NM_001407138.1); short protein forms G130D, G139D, G155D, G95D.
Identifiers: ClinVar variation 3220879 (VCV003220879.1), dbSNP rs1698859109, ClinGen allele CA351806980.
Genomic context (GRCh38, chr3:30,650,395, plus strand): 5'-ACTTTATTCTGGAAGATGCTGCTTCTCCAAAGTGCATTATGAAGGAAAAAAAAAAGCCTG[G>A]TGAGACTTTCTTCATGTGTTCCTGTAGCTCTGATGAGTGCAATGACAACATCATCTTCTC-3'
Protein context (NP_003233.4, residues 120-140): KCIMKEKKKP[Gly130Asp]ETFFMCSCSS

ClinVar aggregate classification (germline): Likely benign (1 of 4 stars; one submission).

Conditions:
Diabetic retinopathy. Identifiers: MedGen C0011884, MONDO:0005266.

Allele frequency attached by ClinVar (database versions not stated): TOPMed below 0.00001.
gnomAD v4.1: 2 of 1,614,036 alleles (0.00012%); highest among the groups gnomAD compares: Non-Finnish European, 0.000085%; no homozygotes.

Submission:

Clinical Genomics, Uppaluri K&H Personalized Medicine Clinic
Classification: Likely benign for Diabetic retinopathy. Review status: criteria provided, single submitter. Criteria: K And H Uppaluri Personalized Medicine Clinic Variant Classification And Assertion Criteria Updated V 2. Collection method: research. Allele origin: unknown.
Comment: Potent mutations in TGFBR2 gene encodes the transforming growth factor that have been associated with angiogenesis and diabetic retinopathy. More clinical studies are needed for stronger association. However, more evidence is required to confer the association of this particular variant rs1698859109 with diabetic retinopathy.

Literature cited by the submitters: PubMed 30222965; PubMed 28162229; PubMed 34572573.